The following is an entry in ClinVar:

ClinVar aggregate classification (germline): Pathogenic/Likely pathogenic. Review status: criteria provided, multiple submitters, no conflicts (2 of 4 stars). 2 submissions from 2 submitters: Pathogenic (1); Likely pathogenic (1). Last evaluated 2024-06-24.

Conditions:
Neurofibromatosis, type 1 (NF1). Also called: VON RECKLINGHAUSEN DISEASE; NEUROFIBROMATOSIS, TYPE I, SOMATIC; Peripheral type neurofibromatosis; Neurofibromatosis, type I. Identifiers: Orphanet 636, MedGen C0027831, MONDO:0018975, OMIM 162200. Disease mechanism: loss of function.

Submissions (2):

Labcorp Genetics (formerly Invitae), Labcorp
Classification: Likely pathogenic for Neurofibromatosis, type 1. Last evaluated: 2024-06-24. Review status: criteria provided, single submitter. Criteria: Invitae Variant Classification Sherloc (09022015). Collection method: clinical testing. Allele origin: germline.
Comment: This sequence change replaces serine, which is neutral and polar, with proline, which is neutral and non-polar, at codon 1150 of the NF1 protein (p.Ser1150Pro). This variant is not present in population databases (gnomAD no frequency). This missense change has been observed in individual(s) with neurofibromatosis type I (Invitae). ClinVar contains an entry for this variant (Variation ID: 976302). Advanced modeling of protein sequence and biophysical properties (such as structural, functional, and spatial information, amino acid conservation, physicochemical variation, residue mobility, and thermodynamic stability) performed at Invitae indicates that this missense variant is expected to disrupt NF1 protein function with a positive predictive value of 95%. In summary, the currently available evidence indicates that the variant is pathogenic, but additional data are needed to prove that conclusively. Therefore, this variant has been classified as Likely Pathogenic.

Institute of Human Genetics, University of Leipzig Medical Center
Classification: Pathogenic for Neurofibromatosis, type 1. Last evaluated: 2019-12-10. Review status: criteria provided, single submitter. Criteria: ACMG Guidelines, 2015. Collection method: clinical testing. Allele origin: de novo. Affected: yes. Observed: 1 variant allele.

NM_001042492.3(NF1):c.3448T>C (p.Ser1150Pro)

Gene: NF1 (neurofibromin 1; plus strand). Cytogenetic location: 17q11.2.
Variant type: single nucleotide variant.
Coding change: c.3448T>C on transcript NM_001042492.3 (MANE Select); coding-DNA position 3448, T replaced by C.
Protein change: p.Ser1150Pro; replaces serine 1150 with proline.
Molecular consequence: missense variant.
Genome position (GRCh38, 1-based): chr17:31,232,833, T>C. VCF-style: chr17-31232833-T-C. GRCh37 (hg19) VCF-style: chr17-29559851-T-C.
Other names: c.3448T>C, p.Ser1150Pro (NM_000267.4); short protein forms S1150P.
Identifiers: ClinVar variation 976302 (VCV000976302.4), dbSNP rs2067137547, ClinGen allele CA398989311.